The following is an entry in ClinVar:

NM_000548.5(TSC2):c.1722G>A (p.Lys574=)

Gene: TSC2 (TSC complex subunit 2; plus strand). Cytogenetic location: 16p13.3.
Variant type: single nucleotide variant.
Coding change: c.1722G>A on transcript NM_000548.5 (MANE Select); coding-DNA position 1722, G replaced by A.
Protein change: p.Lys574=; no amino-acid change (lysine 574 retained).
Molecular consequence: synonymous variant.
Genome position (GRCh38, 1-based): chr16:2,070,461, G>A. VCF-style: chr16-2070461-G-A. GRCh37 (hg19) VCF-style: chr16-2120462-G-A.
Other names: c.1722G>A, p.Lys574= (NM_001077183.3, NM_001114382.3, NM_001363528.2 and 3 more transcripts); c.1611G>A, p.Lys537= (NM_001318827.2); c.1575G>A, p.Lys525= (NM_001318829.2); c.1122G>A, p.Lys374= (NM_001318831.2); c.1755G>A, p.Lys585= (NM_001318832.2).
Identifiers: ClinVar variation 819937 (VCV000819937.13), dbSNP rs1596336026, ClinGen allele CA492949655.
Genomic context (GRCh38, chr16:2,070,461, plus strand): 5'-TTAGGACTGCGTTTTCACCTCCTGCGCCGTGGTGAGCTGCGTCCTCTCTCTGCAGACCAA[G>A]CTGTACACCCTGCCTGCAAGCCACGCCACGCGTGTGTATGAGATGCTGGTCAGCCACATT-3'
Protein context (NP_000539.2, residues 564-584): VLGLLVILQT[Lys574=]LYTLPASHAT

ClinVar aggregate classification (germline): Benign/Likely benign. Review status: criteria provided, multiple submitters, no conflicts (2 of 4 stars). 3 submissions from 3 submitters: Benign (1); Likely benign (2). Last evaluated 2025-07-19.

Conditions:
Tuberous sclerosis 2 (TSC2). Identifiers: Orphanet 805, MedGen C1860707, MONDO:0013199, OMIM 613254.
Hereditary cancer-predisposing syndrome. Also called: Hereditary Cancer Syndrome; Neoplastic Syndromes, Hereditary; Hereditary neoplastic syndrome; Tumor predisposition. Identifiers: Orphanet 140162, MedGen C0027672, MeSH D009386, MONDO:0015356.

gnomAD v4.1: 1 of 1,613,404 alleles (0.000062%); highest among the groups gnomAD compares: Non-Finnish European, 0.000085%; no homozygotes.

Submissions (3):

Labcorp Genetics (formerly Invitae), Labcorp
Classification: Likely benign for Tuberous sclerosis 2. Last evaluated: 2025-07-19. Review status: criteria provided, single submitter. Criteria: Invitae Variant Classification Sherloc (09022015). Collection method: clinical testing. Allele origin: germline.

Myriad Genetics, Inc.
Classification: Benign for Tuberous sclerosis 2. Last evaluated: 2025-05-15. Review status: criteria provided, single submitter. Criteria: Myriad Autosomal Dominant, Autosomal Recessive and X-Linked Classification Criteria (2023). Collection method: clinical testing. Allele origin: unknown.
Comment: This variant is considered benign. This variant is a silent/synonymous amino acid change and it is not expected to impact splicing.

Ambry Genetics
Classification: Likely benign for Hereditary cancer-predisposing syndrome. Last evaluated: 2019-10-16. Review status: criteria provided, single submitter. Criteria: Ambry Variant Classification Scheme 2023. Collection method: clinical testing. Allele origin: germline.